The following is an entry in ClinVar:

NM_015978.3(TNNI3K):c.1060C>T (p.Arg354Cys)

Genes: FPGT-TNNI3K (FPGT-TNNI3K readthrough; plus strand), TNNI3K (TNNI3 interacting kinase; plus strand). Cytogenetic location: 1p31.1.
Variant type: single nucleotide variant.
Coding change: c.1060C>T on transcript NM_015978.3 (MANE Select); coding-DNA position 1060, C replaced by T.
Protein change: p.Arg354Cys; replaces arginine 354 with cysteine.
Molecular consequence: missense variant.
Genome position (GRCh38, 1-based): chr1:74,354,012, C>T. VCF-style: chr1-74354012-C-T. GRCh37 (hg19) VCF-style: chr1-74819696-C-T.
Other names: c.1363C>T, p.Arg455Cys (NM_001112808.3, NM_001199327.2); short protein forms R354C, R455C.
Identifiers: ClinVar variation 1478382 (VCV001478382.6), dbSNP rs200522674, ClinGen allele CA909140.

ClinVar aggregate classification (germline): Uncertain significance (1 of 4 stars; one submission).

Allele frequency attached by ClinVar (database versions not stated): gnomAD 0.00004; ExAC 0.00006; TOPMed 0.00006; ESP Exome Variant Server 0.00008; gnomAD exomes 0.00008 and 0.00017.
gnomAD v4.1: 261 of 1,613,786 alleles (0.016%); highest among the groups gnomAD compares: Non-Finnish European, 0.02%; no homozygotes.

Submission:

Labcorp Genetics (formerly Invitae), Labcorp
Classification: Uncertain significance. Last evaluated: 2026-01-26. Review status: criteria provided, single submitter. Criteria: Invitae Variant Classification Sherloc (09022015). Collection method: clinical testing. Allele origin: germline.
Comment: This sequence change replaces arginine, which is basic and polar, with cysteine, which is neutral and slightly polar, at codon 354 of the TNNI3K protein (p.Arg354Cys). This variant is present in population databases (rs200522674, gnomAD 0.02%). This variant has not been reported in the literature in individuals affected with TNNI3K-related conditions. ClinVar contains an entry for this variant (Variation ID: 1478382). Invitae Evidence Modeling of protein sequence and biophysical properties (such as structural, functional, and spatial information, amino acid conservation, physicochemical variation, residue mobility, and thermodynamic stability) indicates that this missense variant is not expected to disrupt TNNI3K protein function with a negative predictive value of 80%. In summary, the available evidence is currently insufficient to determine the role of this variant in disease. Therefore, it has been classified as a Variant of Uncertain Significance.